The following is an entry in ClinVar:

ClinVar aggregate classification (germline): Likely benign. Review status: criteria provided, multiple submitters, no conflicts (2 of 4 stars). 2 submissions from 2 submitters: Likely benign (2). Last evaluated 2018-06-14.

Allele frequency attached by ClinVar (database versions not stated): gnomAD 0.04078 and 0.04019; gnomAD exomes 0.02683; ExAC 0.02936; 1000 Genomes Project 30x 0.01405; TOPMed 0.02672; 1000 Genomes Project 0.01478; ESP Exome Variant Server 0.02766.
gnomAD v4.1: 54,659 of 1,412,834 alleles (3.9%); highest among the groups gnomAD compares: Non-Finnish European, 4.5%; 1,142 homozygotes.

Submissions (2):

GeneDx
Classification: Likely benign. Last evaluated: 2018-06-14. Review status: criteria provided, single submitter. Criteria: GeneDx Variant Classification (06012015). Collection method: clinical testing. Allele origin: germline. Affected: yes.
Comment: This variant is considered likely benign or benign based on one or more of the following criteria: it is a conservative change, it occurs at a poorly conserved position in the protein, it is predicted to be benign by multiple in silico algorithms, and/or has population frequency not consistent with disease.

Breakthrough Genomics
Classification: Likely benign. Review status: criteria provided, single submitter. Criteria: ACMG Guidelines, 2015. Collection method: not provided. Allele origin: germline. Inheritance: Autosomal dominant inheritance. Affected: yes.

NM_000256.3(MYBPC3):c.1091-39C>T

Gene: MYBPC3 (myosin binding protein C3; minus strand). Cytogenetic location: 11p11.2.
Variant type: single nucleotide variant.
Coding change: c.1091-39C>T on transcript NM_000256.3 (MANE Select); 39 bases into the intron before coding-DNA position 1091, C replaced by T.
Molecular consequence: intron variant.
Genome position (GRCh38, 1-based): chr11:47,343,663, G>A on the plus strand (C>T on the coding strand, the complement: MYBPC3 is on the minus strand). VCF-style: chr11-47343663-G-A. GRCh37 (hg19) VCF-style: chr11-47365214-G-A.
Identifiers: ClinVar variation 188542 (VCV000188542.2), dbSNP rs11570075, ClinGen allele CA009777.